The following is an entry in ClinVar:

NM_013275.6(ANKRD11):c.7136C>G (p.Ala2379Gly)

Gene: ANKRD11 (ankyrin repeat domain 11; minus strand). Cytogenetic location: 16q24.3.
Variant type: single nucleotide variant.
Coding change: c.7136C>G on transcript NM_013275.6 (MANE Select); coding-DNA position 7136, C replaced by G.
Protein change: p.Ala2379Gly; replaces alanine 2379 with glycine.
Molecular consequence: missense variant.
Genome position (GRCh38, 1-based): chr16:89,279,406, G>C on the plus strand (C>G on the coding strand, the complement: ANKRD11 is on the minus strand). VCF-style: chr16-89279406-G-C. GRCh37 (hg19) VCF-style: chr16-89345814-G-C.
Other names: c.7136C>G, p.Ala2379Gly (NM_001256182.2, NM_001256183.2); short protein forms A2379G.
Identifiers: ClinVar variation 2694148 (VCV002694148.3), dbSNP rs940623226, ClinGen allele CA286509479.

ClinVar aggregate classification (germline): Uncertain significance (1 of 4 stars; one submission).

Conditions:
KBG syndrome (KBGS). Also called: ANKRD11-Related KBG Syndrome. Identifiers: Orphanet 2332, MedGen C0220687, MONDO:0007846, OMIM 148050.

Allele frequency attached by ClinVar (database versions not stated): gnomAD 0.00003; TOPMed 0.00003.
gnomAD v4.1: 23 of 1,543,160 alleles (0.0015%); highest among the groups gnomAD compares: African/African-American, 0.0027%; no homozygotes.

Submission:

Labcorp Genetics (formerly Invitae), Labcorp
Classification: Uncertain significance for KBG syndrome. Last evaluated: 2024-10-16. Review status: criteria provided, single submitter. Criteria: Invitae Variant Classification Sherloc (09022015). Collection method: clinical testing. Allele origin: germline.
Comment: This sequence change replaces alanine, which is neutral and non-polar, with glycine, which is neutral and non-polar, at codon 2379 of the ANKRD11 protein (p.Ala2379Gly). The frequency data for this variant in the population databases is considered unreliable, as metrics indicate poor data quality at this position in the gnomAD database. This variant has not been reported in the literature in individuals affected with ANKRD11-related conditions. Invitae Evidence Modeling of protein sequence and biophysical properties (such as structural, functional, and spatial information, amino acid conservation, physicochemical variation, residue mobility, and thermodynamic stability) indicates that this missense variant is not expected to disrupt ANKRD11 protein function with a negative predictive value of 95%. In summary, the available evidence is currently insufficient to determine the role of this variant in disease. Therefore, it has been classified as a Variant of Uncertain Significance.